The following is an entry in ClinVar:

ClinVar aggregate classification (germline): Uncertain significance (1 of 4 stars; one submission).

Submission:

Labcorp Genetics (formerly Invitae), Labcorp
Classification: Uncertain significance. Last evaluated: 2022-02-23. Review status: criteria provided, single submitter. Criteria: Invitae Variant Classification Sherloc (09022015). Collection method: clinical testing. Allele origin: germline.
Comment: This variant is not present in population databases (gnomAD no frequency). In summary, the available evidence is currently insufficient to determine the role of this variant in disease. Therefore, it has been classified as a Variant of Uncertain Significance. Algorithms developed to predict the effect of missense changes on protein structure and function are either unavailable or do not agree on the potential impact of this missense change (SIFT: "Deleterious"; PolyPhen-2: "Benign"; Align-GVGD: "Class C0"). This variant has not been reported in the literature in individuals affected with TEAD1-related conditions. This sequence change replaces methionine, which is neutral and non-polar, with threonine, which is neutral and polar, at codon 122 of the TEAD1 protein (p.Met122Thr).

NM_021961.6(TEAD1):c.365T>C (p.Met122Thr)

Gene: TEAD1 (TEA domain transcription factor 1; plus strand). Cytogenetic location: 11p15.3.
Variant type: single nucleotide variant.
Coding change: c.365T>C on transcript NM_021961.6 (MANE Select); coding-DNA position 365, T replaced by C.
Protein change: p.Met122Thr; replaces methionine 122 with threonine.
Molecular consequence: missense variant.
Genome position (GRCh38, 1-based): chr11:12,879,742, T>C. VCF-style: chr11-12879742-T-C. GRCh37 (hg19) VCF-style: chr11-12901289-T-C.
Other names: short protein forms M122T.
Identifiers: ClinVar variation 2102286 (VCV002102286.4), dbSNP rs2494603748, ClinGen allele CA379711792.
Genomic context (GRCh38, chr11:12,879,742, plus strand): 5'-GTTGGTGTGTCACTGTCACCTTCAAGGATCAGACTGCAAAGGATAAGGCCCTGCAGCACA[T>C]GGCGGCCATGTCCTCAGCCCAGATCGTCTCGGCCACTGCCATTCATAACAAGCTGGGGCT-3'
Protein context (NP_068780.2, residues 112-132): QTAKDKALQH[Met122Thr]AAMSSAQIVS